The following is an entry in ClinVar:

NM_032119.4(ADGRV1):c.10885A>G (p.Lys3629Glu)

Gene: ADGRV1 (adhesion G protein-coupled receptor V1; plus strand). Cytogenetic location: 5q14.3.
Variant type: single nucleotide variant.
Coding change: c.10885A>G on transcript NM_032119.4 (MANE Select); coding-DNA position 10885, A replaced by G.
Protein change: p.Lys3629Glu; replaces lysine 3629 with glutamic acid.
Molecular consequence: missense variant. On other transcripts: non-coding transcript variant (1).
Genome position (GRCh38, 1-based): chr5:90,745,706, A>G. VCF-style: chr5-90745706-A-G. GRCh37 (hg19) VCF-style: chr5-90041523-A-G.
Other names: c.10885A>G (NM_032119.3); short protein forms K3629E.
Identifiers: ClinVar variation 2731199 (VCV002731199.4), dbSNP rs1225112062, ClinGen allele CA360409267.
Genomic context (GRCh38, chr5:90,745,706, plus strand): 5'-ATCCTTGATGATACAGTTCCAGAAAAAGAAGAATCCTTCAAAGTTCAACTTAAAAATCCC[A>G]AAGGAGGAGCAGAGATTGGCATTAATGATTCTGTAACAATAACCATTCTGTCTAATGATG-3'
Protein context (NP_115495.3, residues 3619-3639): ESFKVQLKNP[Lys3629Glu]GGAEIGINDS

ClinVar aggregate classification (germline): Conflicting classifications of pathogenicity. Review status: criteria provided, conflicting classifications (1 of 4 stars). 2 submissions from 2 submitters: Uncertain significance (1); Likely benign (1). Last evaluated 2025-05-09.

Allele frequency attached by ClinVar (database versions not stated): gnomAD exomes below 0.00001; gnomAD 0.00001; TOPMed 0.00002.
gnomAD v4.1: 6 of 1,611,998 alleles (0.00037%); highest among the groups gnomAD compares: Admixed American, 0.0033%; no homozygotes.

Submissions (2):

Athena Diagnostics
Classification: Uncertain significance. Last evaluated: 2025-05-09. Review status: criteria provided, single submitter. Criteria: Athena Diagnostics Criteria. Collection method: clinical testing. Allele origin: unknown.
Comment: Available data are insufficient to determine the clinical significance of the variant at this time. The frequency of this variant in the general population is uninformative in assessment of its pathogenicity. Polyphen and MutationTaster predict this amino acid change may be benign.

Labcorp Genetics (formerly Invitae), Labcorp
Classification: Likely benign. Last evaluated: 2023-02-08. Review status: criteria provided, single submitter. Criteria: Invitae Variant Classification Sherloc (09022015). Collection method: clinical testing. Allele origin: germline.